The following is an entry in ClinVar:

NC_000017.10:g.(?_10531970)_(10535073_?)dup

Gene: MYH3 (myosin heavy chain 3; minus strand). Cytogenetic location: 17p13.1.
Variant type: Duplication.
Identifiers: ClinVar variation 3243151 (VCV003243151.1).

ClinVar aggregate classification (germline): Uncertain significance (1 of 4 stars; one submission).

Submission:

Labcorp Genetics (formerly Invitae), Labcorp
Classification: Uncertain significance. Last evaluated: 2023-11-20. Review status: criteria provided, single submitter. Criteria: Invitae Variant Classification Sherloc (09022015). Collection method: clinical testing. Allele origin: unknown.
Comment: This variant results in a copy number gain of the genomic region encompassing exon(s) 36-41 of the MYH3 gene. This region includes the termination codon of the gene. This copy number gain extends beyond the assayed region for this gene and therefore may encompass additional genes. As the precise location of this event is unknown, it may be in tandem or it may be located elsewhere in the genome. This variant has not been reported in the literature in individuals affected with MYH3-related conditions. In summary, the available evidence is currently insufficient to determine the role of this variant in disease. Therefore, it has been classified as a Variant of Uncertain Significance.